The following is an entry in ClinVar:

NM_001387274.1(DCDC1):c.1657A>G (p.Met553Val)

Gene: DCDC1 (doublecortin domain containing 1; minus strand). Cytogenetic location: 11p13.
Variant type: single nucleotide variant.
Coding change: c.1657A>G on transcript NM_001387274.1 (MANE Select); coding-DNA position 1657, A replaced by G.
Protein change: p.Met553Val; replaces methionine 553 with valine.
Molecular consequence: missense variant. On other transcripts: non-coding transcript variant (1).
Genome position (GRCh38, 1-based): chr11:31,106,891, T>C on the plus strand (A>G on the coding strand, the complement: DCDC1 is on the minus strand). VCF-style: chr11-31106891-T-C. GRCh37 (hg19) VCF-style: chr11-31128438-T-C.
Other names: NM_001350255.1:c.514A>G; c.1657A>G, p.Met553Val (NM_001367979.1); short protein forms M553V.
Identifiers: ClinVar variation 3037505 (VCV003037505.2), dbSNP rs80299568, ClinGen allele CA5932342.

ClinVar aggregate classification (germline): Benign (0 of 4 stars; one submission).

Conditions:
DCDC1-related disorder. Also called: DCDC1-related condition.

Allele frequency attached by ClinVar (database versions not stated): ExAC 0.00245; 1000 Genomes Project 30x 0.00578; 1000 Genomes Project 0.00619; ESP Exome Variant Server 0.00625; gnomAD 0.00642; TOPMed 0.00739.
gnomAD v4.1: 1,905 of 766,146 alleles (0.25%); highest among the groups gnomAD compares: African/African-American, 2%; 18 homozygotes.

Submission:

PreventionGenetics, part of Exact Sciences
Classification: Benign for DCDC1-related condition. Last evaluated: 2019-06-21. Review status: no assertion criteria provided. Collection method: clinical testing. Allele origin: germline.
Comment: This variant is classified as benign based on ACMG/AMP sequence variant interpretation guidelines (Richards et al. 2015 PMID: 25741868, with internal and published modifications).